The following is an entry in ClinVar:

NC_000002.11:g.(39240705_39241007)_(39251279_39262352)del

Gene: SOS1 (SOS Ras/Rac guanine nucleotide exchange factor 1; minus strand). Cytogenetic location: 2p22.1.
Variant type: Deletion.
Identifiers: ClinVar variation 3374974 (VCV003374974.1).

ClinVar aggregate classification (germline): Uncertain significance (1 of 4 stars; one submission).

Submission:

Women's Health and Genetics/Laboratory Corporation of America, LabCorp
Classification: Uncertain significance. Last evaluated: 2024-09-09. Review status: criteria provided, single submitter. Criteria: LabCorp Variant Classification Summary - May 2015. Collection method: clinical testing. Allele origin: germline.
Comment: Variant summary: The variant involves the deletion of exons 9-12 in the SOS1 gene. This Copy Number Variant (CNV) is expected to alter the reading frame and predicted to result in a truncation or absence of the encoded protein due to nonsense mediated decay (NMD). A presumed nomenclature of c.(1074+1_1075-1)_(2063+1_2064-1)del has been designated for the purposes of this classification. Current evidence is not sufficient to establish loss of function as a mechanism for disease. The variant was absent in 21694 control chromosomes. The available data on variant occurrences in the general population are insufficient to allow any conclusion about variant significance. To our knowledge, no occurrence of c.(1074+1_1075-1)_(2063+1_2064-1)del in individuals affected with Noonan Syndrome and no experimental evidence demonstrating its impact on protein function have been reported. No submitters have cited clinical-significance assessments for this variant to ClinVar. Based on the evidence outlined above, the variant was classified as uncertain significance.